The following is an entry in ClinVar:

ClinVar aggregate classification (germline): Pathogenic (1 of 4 stars; one submission).

Conditions:
X-linked severe congenital neutropenia (SCNX). Identifiers: Orphanet 86788, MedGen C1845987, MONDO:0010294, OMIM 300299.
Thrombocytopenia 1. Also called: X-linked thrombocytopenia with normal platelets; X-Linked Thrombocytopenia (XLT); THROMBOCYTOPENIA, X-LINKED, 1. Identifiers: Orphanet 268322, Orphanet 852, MedGen C1839163, MONDO:0010743, OMIM 313900.
Wiskott-Aldrich syndrome (WAS). Also called: WISKOTT-ALDRICH SYNDROME 1; ALDRICH SYNDROME; IMMUNODEFICIENCY 2; Wiskott-aldrich syndrome, somatic. Identifiers: Orphanet 906, MedGen C0043194, MONDO:0010518, OMIM 301000.

Submission:

Labcorp Genetics (formerly Invitae), Labcorp
Classification: Pathogenic for Wiskott-Aldrich syndrome; X-linked severe congenital neutropenia; Thrombocytopenia 1. Last evaluated: 2022-11-08. Review status: criteria provided, single submitter. Criteria: Invitae Variant Classification Sherloc (09022015). Collection method: clinical testing. Allele origin: germline.
Comment: This sequence change creates a premature translational stop signal (p.Ile207Glufs*13) in the WAS gene. It is expected to result in an absent or disrupted protein product. Loss-of-function variants in WAS are known to be pathogenic (PMID: 15284122). This variant is not present in population databases (gnomAD no frequency). For these reasons, this variant has been classified as Pathogenic. This variant has not been reported in the literature in individuals affected with WAS-related conditions.

Literature cited by the submitters: PubMed 15284122.

NM_000377.3(WAS):c.619_623del (p.Ile207fs)

Gene: WAS (WASP actin nucleation promoting factor; plus strand). Cytogenetic location: Xp11.23.
Variant type: Deletion.
Coding change: c.619_623del on transcript NM_000377.3 (MANE Select); coding-DNA positions 619 to 623, 5 bases deleted (ATCAC; older notation c.619_623delATCAC).
Protein change: p.Ile207fs; shifts the reading frame from isoleucine 207.
Molecular consequence: frameshift variant.
Genome position (GRCh38, 1-based): chrX:48,686,840-48,686,844, ATCAC deleted; deleting any 5 consecutive bases within chrX:48,686,838-48,686,844 gives the same sequence; the c. name uses the placement nearest the transcript's 3' end. VCF-style (leftmost placement, unchanged base first): chrX-48686837-GACATC-G. GRCh37 (hg19) VCF-style: chrX-48545226-GACATC-G.
Other names: short protein forms I207fs.
Identifiers: ClinVar variation 2094231 (VCV002094231.4), dbSNP rs2519283164, ClinGen allele CA2580101053.